The following is an entry in ClinVar:

NM_006767.4(LZTR1):c.2336C>T (p.Ala779Val)

Gene: LZTR1 (leucine zipper like post translational regulator 1; plus strand). Cytogenetic location: 22q11.21.
Variant type: single nucleotide variant.
Coding change: c.2336C>T on transcript NM_006767.4 (MANE Select); coding-DNA position 2336, C replaced by T.
Protein change: p.Ala779Val; replaces alanine 779 with valine.
Molecular consequence: missense variant.
Genome position (GRCh38, 1-based): chr22:20,996,896, C>T. VCF-style: chr22-20996896-C-T. GRCh37 (hg19) VCF-style: chr22-21351185-C-T.
Other names: short protein forms A779V.
Identifiers: ClinVar variation 3929033 (VCV003929033.1).
Genomic context (GRCh38, chr22:20,996,896, plus strand): 5'-CCCACTGAGTGGGTGAAAGGGGCAGCGCCTCAAGGTCCCTGCCATTGCAGATCCTGGAGG[C>T]AGCTGACAAAACGCAGGCACTGGACATGAAGCGGCACTGCCTGCACATCATTGTGCACCA-3'
Protein context (NP_006758.2, residues 769-789): TVQNVLQILE[Ala779Val]ADKTQALDMK

ClinVar aggregate classification (germline): Uncertain significance (1 of 4 stars; one submission).

Conditions:
Cardiovascular phenotype. Identifiers: MedGen CN230736.
Hereditary cancer-predisposing syndrome. Also called: Hereditary Cancer Syndrome; Hereditary neoplastic syndrome; Neoplastic Syndromes, Hereditary; Tumor predisposition. Identifiers: Orphanet 140162, MedGen C0027672, MeSH D009386, MONDO:0015356.

Submission:

Ambry Genetics
Classification: Uncertain significance for Cardiovascular phenotype; Hereditary cancer-predisposing syndrome. Last evaluated: 2025-03-19. Review status: criteria provided, single submitter. Criteria: Ambry Variant Classification Scheme 2023. Collection method: clinical testing. Allele origin: germline.
Comment: The p.A779V variant (also known as c.2336C>T), located in coding exon 20 of the LZTR1 gene, results from a C to T substitution at nucleotide position 2336. The alanine at codon 779 is replaced by valine, an amino acid with similar properties. This amino acid position is conserved. In addition, the in silico prediction for this alteration is inconclusive. Based on the available evidence, the clinical significance of this variant remains unclear.